The following is an entry in ClinVar:

ClinVar aggregate classification (germline): Uncertain significance. Review status: criteria provided, multiple submitters, no conflicts (2 of 4 stars). 2 submissions from 2 submitters: Uncertain significance (2). Last evaluated 2025-10-15.

Allele frequency attached by ClinVar (database versions not stated): gnomAD 0.00056 and 0.00065; ESP Exome Variant Server 0.00062; TOPMed 0.00071.
gnomAD v4.1: 189 of 1,614,052 alleles (0.012%); highest among the groups gnomAD compares: African/African-American, 0.19%; 2 homozygotes.

Submissions (2):

Labcorp Genetics (formerly Invitae), Labcorp
Classification: Uncertain significance. Last evaluated: 2025-10-15. Review status: criteria provided, single submitter. Criteria: Invitae Variant Classification Sherloc (09022015). Collection method: clinical testing. Allele origin: germline.
Comment: This sequence change replaces glutamic acid, which is acidic and polar, with lysine, which is basic and polar, at codon 434 of the FBN3 protein (p.Glu434Lys). This variant is present in population databases (rs141471683, gnomAD 0.2%), and has an allele count higher than expected for a pathogenic variant. This variant has not been reported in the literature in individuals affected with FBN3-related conditions. ClinVar contains an entry for this variant (Variation ID: 1356755). Invitae Evidence Modeling of protein sequence and biophysical properties (such as structural, functional, and spatial information, amino acid conservation, physicochemical variation, residue mobility, and thermodynamic stability) has been performed for this missense variant. However, the output from this modeling did not meet the statistical confidence thresholds required to predict the impact of this variant on FBN3 protein function. In summary, the available evidence is currently insufficient to determine the role of this variant in disease. Therefore, it has been classified as a Variant of Uncertain Significance.

Ambry Genetics
Classification: Uncertain significance. Last evaluated: 2025-08-09. Review status: criteria provided, single submitter. Criteria: Ambry Variant Classification Scheme 2023. Collection method: clinical testing. Allele origin: germline.

NM_032447.5(FBN3):c.1300G>A (p.Glu434Lys)

Gene: FBN3 (fibrillin 3; minus strand). Cytogenetic location: 19p13.2.
Variant type: single nucleotide variant.
Coding change: c.1300G>A on transcript NM_032447.5 (MANE Select); coding-DNA position 1300, G replaced by A.
Protein change: p.Glu434Lys; replaces glutamic acid 434 with lysine.
Molecular consequence: missense variant.
Genome position (GRCh38, 1-based): chr19:8,136,433, C>T on the plus strand (G>A on the coding strand, the complement: FBN3 is on the minus strand). VCF-style: chr19-8136433-C-T. GRCh37 (hg19) VCF-style: chr19-8201317-C-T.
Other names: c.1300G>A (NM_032447.3); c.1300G>A, p.Glu434Lys (NM_001321431.2); short protein forms E434K.
Identifiers: ClinVar variation 1356755 (VCV001356755.9), dbSNP rs141471683, ClinGen allele CA9153401.
Genomic context (GRCh38, chr19:8,136,433, plus strand): 5'-CTGGCCGCGGCTCACCAATGCACTCGCCGCGCACGTCCTGGGTGTAGCCCACGTTACACT[C>T]GCAGCGGTAGCTGGAAGGCGTGGGCAGGCAGCGGCCATTCAGACACAGGTTGGTGAAGTG-3'
Protein context (NP_115823.3, residues 424-444): CLPTPSSYRC[Glu434Lys]CNVGYTQDVR